The following is an entry in ClinVar:

NM_153700.2(STRC):c.4561dup (p.Arg1521fs)

Gene: STRC (stereocilin; minus strand). Cytogenetic location: 15q15.3.
Variant type: Duplication.
Coding change: c.4561dup on transcript NM_153700.2 (MANE Select); coding-DNA position 4561, one base duplicated (C; older notation c.4561dupC).
Protein change: p.Arg1521fs; shifts the reading frame from arginine 1521.
Molecular consequence: frameshift variant.
Genome position (GRCh38, 1-based): chr15:43,601,536, G duplicated on the plus strand (C on the coding strand, the reverse complement: STRC is on the minus strand); the first of 7 consecutive G bases (chr15:43,601,536-43,601,542); duplicating any one gives the same sequence. VCF-style (leftmost placement, unchanged base first): chr15-43601535-C-CG. GRCh37 (hg19) VCF-style: chr15-43893733-C-CG.
Other names: short protein forms R1521fs.
Identifiers: ClinVar variation 5005408 (VCV005005408.2).
Genomic context (GRCh38, chr15:43,601,535, plus strand): 5'-CGATCTCCTAGACCTATTAAGAGCCTACCAAGCTGCAGGATCTGCTCAGGACGAAATCCC[C>CG]GGGGGGGACCCCACAACTAGGAGAAAGACAGGAACAATGTGAGTGGAAAAGCAGTGGATT-3'

ClinVar aggregate classification (germline): Likely pathogenic (1 of 4 stars; one submission).

Conditions:
Autosomal recessive nonsyndromic hearing loss 16. Also called: DEAFNESS, AUTOSOMAL RECESSIVE 16; DFNB16 Nonsyndromic Hearing Loss and Deafness. Identifiers: Orphanet 90636, MedGen C1863561, MONDO:0011364, OMIM 603720.

Submission:

Juno Genomics, Hangzhou Juno Genomics, Inc
Classification: Likely pathogenic for Autosomal recessive nonsyndromic hearing loss 16. Review status: criteria provided, single submitter. Criteria: ACMG Guidelines, 2015. Collection method: clinical testing. Allele origin: germline.
Comment: Null variant in a gene where loss of function (LOF) is a known mechanism of disease.;Absent from controls (or at extremely low frequency if recessive) in Genome Aggregation Database.